The following is an entry in ClinVar:

ClinVar aggregate classification (germline): Uncertain significance (1 of 4 stars; one submission).

Submission:

GeneDx
Classification: Uncertain significance. Last evaluated: 2026-03-13. Review status: criteria provided, single submitter. Criteria: GeneDx Variant Classification Process June 2021. Collection method: clinical testing. Allele origin: germline.
Comment: Not observed at significant frequency in large population cohorts (gnomAD); In silico analysis supports that this missense variant has a deleterious effect on protein structure/function; Has not been previously published as pathogenic or benign to our knowledge; Does not affect a cysteine or calcium-binding residue within an EGF-like domain or a TGF-binding protein domain of the FBN1 gene; cysteine substitutions in the EGF-like domains represent the majority of pathogenic missense changes associated with FBN1-related disorders (PMID: 12938084); This variant is associated with the following publications: (PMID: 12938084)

NM_000138.5(FBN1):c.1132C>G (p.Pro378Ala)

Genes: FBN1 (fibrillin 1; minus strand), LOC113939944 (Sharpr-MPRA regulatory region 9539; plus strand). Cytogenetic location: 15q21.1.
Variant type: single nucleotide variant.
Coding change: c.1132C>G on transcript NM_000138.5 (MANE Select); coding-DNA position 1132, C replaced by G.
Protein change: p.Pro378Ala; replaces proline 378 with alanine.
Molecular consequence: missense variant.
Genome position (GRCh38, 1-based): chr15:48,520,674, G>C on the plus strand (C>G on the coding strand, the complement: FBN1 is on the minus strand). VCF-style: chr15-48520674-G-C. GRCh37 (hg19) VCF-style: chr15-48812871-G-C.
Other names: c.1132C>G, p.Pro378Ala (NM_001406716.1); short protein forms P378A.
Identifiers: ClinVar variation 5009150 (VCV005009150.1).